The following is an entry in ClinVar:

NM_000545.8(HNF1A):c.1768+11C>T

Gene: HNF1A (HNF1 homeobox A; plus strand). Cytogenetic location: 12q24.31.
Variant type: single nucleotide variant.
Coding change: c.1768+11C>T on transcript NM_000545.8 (MANE Select); 11 bases into the intron after coding-DNA position 1768, C replaced by T.
Molecular consequence: intron variant.
Genome position (GRCh38, 1-based): chr12:120,999,638, C>T. VCF-style: chr12-120999638-C-T. GRCh37 (hg19) VCF-style: chr12-121437441-C-T.
Other names: c.1789+11C>T (NM_001306179.2).
Identifiers: ClinVar variation 307462 (VCV000307462.10), dbSNP rs886049034, ClinGen allele CA10636633.

ClinVar aggregate classification (germline): Uncertain significance. Review status: reviewed by expert panel (3 of 4 stars). 3 submissions from 3 submitters: Uncertain significance (1). 2 of the submissions do not count toward it. Last evaluated 2025-04-16.

Conditions:
Monogenic diabetes. Identifiers: Orphanet 183625, MedGen C3888631, MONDO:0015967.
Maturity-onset diabetes of the young (MODY). Also called: Maturity onset diabetes mellitus in young. Identifiers: Orphanet 552, MedGen C0342276, MONDO:0018911, HP:0004904.
Maturity-onset diabetes of the young type 3. Also called: MODY, type III; MODY type 3. Identifiers: Orphanet 552, MedGen C1838100, MeSH C563933, MONDO:0010894, OMIM 600496. Disease mechanism: loss of function.

gnomAD v4.1: 6 of 1,605,658 alleles (0.00037%); highest among the groups gnomAD compares: Non-Finnish European, 0.00051%; no homozygotes.

Submissions (3):

ClinGen Monogenic Diabetes Variant Curation Expert Panel
Classification: Uncertain significance for Monogenic diabetes. Last evaluated: 2025-04-16. Review status: reviewed by expert panel. Criteria: ClinGen Diabetes ACMG Specifications HNF1A V2.1.0. Collection method: curation. Allele origin: germline. Inheritance: Autosomal dominant inheritance.
Comment: The c.1768+11C>T variant in the HNF1 homeobox A gene, HNF1A, is a single nucleotide variant within intron 9 of NM_000545.8. This variant is absent from gnomAD v2.1.1 (PM2_Supporting). Additionally, the computational splicing predictor SpliceAI gives a score of 0.00 for donor loss, suggesting that the variant has no impact on splicing (BP4). In summary, c.1768+11C>T meets the criteria to be classified as a variant of uncertain significance for monogenic diabetes. ACMG/AMP criteria applied, as specified by the ClinGen MDEP (specification version 2.1.1, approved 8/11/2023): PM2_Supporting, BP4.

Illumina Laboratory Services, Illumina
Classification: Uncertain significance for Maturity-onset diabetes of the young type 3. Last evaluated: 2018-01-13. Review status: criteria provided, single submitter. Criteria: ICSL Variant Classification Criteria 13 December 2019. Collection method: clinical testing. Allele origin: germline. Not counted in ClinVar's aggregate classification.

Clinical Genomics, Uppaluri K&H Personalized Medicine Clinic
Classification: Benign for Maturity-onset diabetes of the young. Review status: criteria provided, single submitter. Criteria: K & H Uppaluri Personalized Medicine Clinic Variant Classification & Assertion Criteria_Updated V.1. Collection method: research. Allele origin: unknown. Inheritance: Autosomal dominant inheritance. Not counted in ClinVar's aggregate classification.
Comment: Mutations in HNF1A gene can predispose to MODY3. It is associated with both micro and macrovascular complications of diabetes, especially cardiovascular complications. Associated with glucosuria. May respond well to sulfonylureas. However, more evidence is required to confer the association of this particular variant rs886049034 with MODY3.

Literature cited by the submitters: PubMed 31517624 (cited by Clinical Genomics, Uppaluri K&H Personalized Medicine Clinic); PubMed 32395877 (cited by Clinical Genomics, Uppaluri K&H Personalized Medicine Clinic); PubMed 35328643 (cited by Clinical Genomics, Uppaluri K&H Personalized Medicine Clinic); PubMed 35673428 (cited by Clinical Genomics, Uppaluri K&H Personalized Medicine Clinic).